The following is an entry in ClinVar:

NM_201525.4(ADGRG1):c.1338C>T (p.Ala446=)

Gene: ADGRG1 (adhesion G protein-coupled receptor G1; plus strand). Cytogenetic location: 16q21.
Variant type: single nucleotide variant.
Coding change: c.1338C>T on transcript NM_201525.4 (MANE Select); coding-DNA position 1338, C replaced by T.
Protein change: p.Ala446=; no amino-acid change (alanine 446 retained).
Molecular consequence: synonymous variant.
Genome position (GRCh38, 1-based): chr16:57,659,464, C>T. VCF-style: chr16-57659464-C-T. GRCh37 (hg19) VCF-style: chr16-57693376-C-T.
Other names: p.Ala452=; c.1338C>T, p.Ala446= (NM_001145770.3, NM_001145772.3, NM_001145774.3 and 7 more transcripts); c.1356C>T, p.Ala452= (NM_001145771.3, NM_001370428.1, NM_001370429.1 and 4 more transcripts); c.1353C>T, p.Ala451= (NM_001145773.3, NM_001370433.1, NM_001370434.1); c.846C>T, p.Ala282= (NM_001290142.2); c.831C>T, p.Ala277= (NM_001290143.2); c.813C>T, p.Ala271= (NM_001290144.2, NM_001370451.1, NM_001370453.1 and 1 more transcripts); c.1335C>T, p.Ala445= (NM_001370441.1); and 1 more.
Identifiers: ClinVar variation 158617 (VCV000158617.23), dbSNP rs7198790, ClinGen allele CA172247.

ClinVar aggregate classification (germline): Benign. Review status: criteria provided, multiple submitters, no conflicts (2 of 4 stars). 8 submissions from 8 submitters: Benign (7). 1 of the submissions does not count toward it. Last evaluated 2026-02-04.

Conditions:
Bilateral frontoparietal polymicrogyria. Also called: CORTICAL DYSPLASIA, COMPLEX, WITH OTHER BRAIN MALFORMATIONS 14A (BILATERAL FRONTOPARIETAL); CEREBELLAR ATAXIA WITH NEURONAL MIGRATION DEFECT. Identifiers: Orphanet 101070, MedGen C1847352, MONDO:0011738, OMIM 606854.

Allele frequency attached by ClinVar (database versions not stated): gnomAD exomes 0.00422; ExAC 0.00515; gnomAD 0.01599 and 0.01696; TOPMed 0.01843; 1000 Genomes Project 0.01857; ESP Exome Variant Server 0.02024; 1000 Genomes Project 30x 0.02186.
gnomAD v4.1: 4,819 of 1,613,796 alleles (0.3%); highest among the groups gnomAD compares: African/African-American, 5.3%; 120 homozygotes.

Submissions (8):

Labcorp Genetics (formerly Invitae), Labcorp
Classification: Benign. Last evaluated: 2026-02-04. Review status: criteria provided, single submitter. Criteria: Invitae Variant Classification Sherloc (09022015). Collection method: clinical testing. Allele origin: germline.

Athena Diagnostics
Classification: Benign. Last evaluated: 2024-10-29. Review status: criteria provided, single submitter. Criteria: Athena Diagnostics Criteria. Collection method: clinical testing. Allele origin: unknown.

Mayo Clinic Laboratories, Mayo Clinic
Classification: Benign. Last evaluated: 2018-04-10. Review status: criteria provided, single submitter. Criteria: ACMG Guidelines, 2015. Collection method: clinical testing. Allele origin: germline. Observed: 7 variant alleles.

Illumina Laboratory Services, Illumina
Classification: Benign for Bilateral frontoparietal polymicrogyria. Last evaluated: 2018-01-13. Review status: criteria provided, single submitter. Criteria: ICSL Variant Classification Criteria 13 December 2019. Collection method: clinical testing. Allele origin: germline.
Comment: This variant was observed in the ICSL laboratory as part of a predisposition screen in an ostensibly healthy population. It had not been previously curated by ICSL or reported in the Human Gene Mutation Database (HGMD: prior to June 1st, 2018), and was therefore a candidate for classification through an automated scoring system. Utilizing variant allele frequency, disease prevalence and penetrance estimates, and inheritance mode, an automated score was calculated to assess if this variant is too frequent to cause the disease. Based on the score and internal cut-off values, a variant classified as benign is not then subjected to further curation. The score for this variant resulted in a classification of benign for this disease.

GeneDx
Classification: Benign. Last evaluated: 2016-05-23. Review status: criteria provided, single submitter. Criteria: GeneDx Variant Classification (06012015). Collection method: clinical testing. Allele origin: germline. Affected: yes.
Comment: This variant is considered likely benign or benign based on one or more of the following criteria: it is a conservative change, it occurs at a poorly conserved position in the protein, it is predicted to be benign by multiple in silico algorithms, and/or has population frequency not consistent with disease.

Genetic Services Laboratory, University of Chicago
Classification: Benign. Last evaluated: 2013-02-08. Review status: criteria provided, single submitter. Criteria: ACMG Guidelines, 2007. Collection method: clinical testing. Allele origin: germline. Inheritance: Autosomal recessive inheritance.

Breakthrough Genomics
Classification: Benign. Review status: criteria provided, single submitter. Criteria: ACMG Guidelines, 2015. Collection method: not provided. Allele origin: germline. Inheritance: Autosomal recessive inheritance. Affected: yes.

Natera, Inc.
Classification: Benign for Bilateral frontoparietal polymicrogyria. Last evaluated: 2020-09-16. Review status: no assertion criteria provided. Collection method: clinical testing. Allele origin: germline. Not counted in ClinVar's aggregate classification.